The following is an entry in ClinVar:

NM_006922.4(SCN3A):c.2270T>C (p.Val757Ala)

Gene: SCN3A (sodium voltage-gated channel alpha subunit 3; minus strand). Cytogenetic location: 2q24.3.
Variant type: single nucleotide variant.
Coding change: c.2270T>C on transcript NM_006922.4 (MANE Select); coding-DNA position 2270, T replaced by C.
Protein change: p.Val757Ala; replaces valine 757 with alanine.
Molecular consequence: missense variant.
Genome position (GRCh38, 1-based): chr2:165,138,000, A>G on the plus strand (T>C on the coding strand, the complement: SCN3A is on the minus strand). VCF-style: chr2-165138000-A-G. GRCh37 (hg19) VCF-style: chr2-165994510-A-G.
Other names: c.2123T>C, p.Val708Ala (NM_001081676.2, NM_001081677.2); short protein forms V757A, V708A.
Identifiers: ClinVar variation 3654766 (VCV003654766.2).
Genomic context (GRCh38, chr2:165,138,000, plus strand): 5'-ATAAAGAGGGTATTTAAGACAATGCAAATAGTGATGGCAAGATCAACAAATGGATCCATA[A>G]CAATTAAATTCACAAGATGTTTTACTTTTAACCATGCATCACAGCAGTCCCAGATCAAGA-3'
Protein context (NP_008853.3, residues 747-767): LKVKHLVNLI[Val757Ala]MDPFVDLAIT

ClinVar aggregate classification (germline): Uncertain significance (1 of 4 stars; one submission).

gnomAD v4.1: 1 of 1,613,602 alleles (0.000062%); highest among the groups gnomAD compares: Admixed American, 0.0017%; no homozygotes.

Submission:

Labcorp Genetics (formerly Invitae), Labcorp
Classification: Uncertain significance. Last evaluated: 2024-05-27. Review status: criteria provided, single submitter. Criteria: Invitae Variant Classification Sherloc (09022015). Collection method: clinical testing. Allele origin: germline.
Comment: This sequence change replaces valine, which is neutral and non-polar, with alanine, which is neutral and non-polar, at codon 757 of the SCN3A protein (p.Val757Ala). This variant is present in population databases (no rsID available, gnomAD 0.003%). This variant has not been reported in the literature in individuals affected with SCN3A-related conditions. Advanced modeling of protein sequence and biophysical properties (such as structural, functional, and spatial information, amino acid conservation, physicochemical variation, residue mobility, and thermodynamic stability) has been performed at Invitae for this missense variant, however the output from this modeling did not meet the statistical confidence thresholds required to predict the impact of this variant on SCN3A protein function. In summary, the available evidence is currently insufficient to determine the role of this variant in disease. Therefore, it has been classified as a Variant of Uncertain Significance.